The following is an entry in ClinVar:

ClinVar aggregate classification (germline): Pathogenic. Review status: criteria provided, multiple submitters, no conflicts (2 of 4 stars). 11 submissions from 11 submitters: Pathogenic (9). 2 of the submissions do not count toward it. Last evaluated 2026-08-06.

Conditions:
Childhood hypophosphatasia. Identifiers: Orphanet 247667, Orphanet 436, MedGen C0220743, MONDO:1010168, OMIM 241510, MONDO:0009428.
Adult hypophosphatasia. Identifiers: Orphanet 247676, Orphanet 436, MedGen C0268413, MONDO:1010154, OMIM 146300, MONDO:0007798.
Infantile hypophosphatasia. Identifiers: Orphanet 247651, Orphanet 436, MedGen C0268412, MONDO:1010169, OMIM 241500, MONDO:0009427.
Hypophosphataemia or rickets.
Hypophosphatasia. Also called: Phosphoethanol-aminuria. Identifiers: Orphanet 436, MedGen C0020630, MeSH D007014, MONDO:0018570.

Allele frequency attached by ClinVar (database versions not stated): gnomAD 0.00001.
gnomAD v4.1: 8 of 1,612,650 alleles (0.0005%); highest among the groups gnomAD compares: Admixed American, 0.0017%; no homozygotes.

Submissions (11):

Cambridge Genomics Laboratory, East Genomic Laboratory Hub, NHS Genomic Medicine Service
Classification: Pathogenic for Hypophosphataemia or rickets. Last evaluated: 2026-08-06. Review status: criteria provided, single submitter. Criteria: ACGS Best Practice Guidelines for Variant Classification in Rare Disease 2020. Collection method: clinical testing. Allele origin: germline. Affected: yes.
Comment: PS3_Moderate,PS4_Moderate,PM2,PM3,PM5_Supporting,PP3,PP4

Women's Health and Genetics/Laboratory Corporation of America, LabCorp
Classification: Pathogenic for Adult hypophosphatasia. Last evaluated: 2026-06-17. Review status: criteria provided, single submitter. Criteria: LabCorp Variant Classification Summary - May 2015. Collection method: clinical testing. Allele origin: germline.
Comment: Variant summary: ALPL c.212G>A (p.Arg71His) results in a non-conservative amino acid change in the encoded protein sequence. Algorithms developed to predict the effect of missense changes on protein structure and function all suggest that this variant is likely to be disruptive. The variant allele was found at a frequency of 4e-06 in 247944 control chromosomes. c.212G>A has been observed in heterozygous individuals affected with mild autosomal dominant Adult hypophosphatasia and in at least one compound heterozygous individual with autosomal recessive, lethal form of hypophosphatasia (Fauvert_2009, Taillandier_2001). These data indicate that the variant is very likely to be associated with disease. Two different variants affecting the same codon (c.211C>T, p.Arg71Cys; c.212G>C, p.Arg71Pro) have been classified as likely pathogenic/pathogenic by our lab, supporting the critical relevance of codon 71 to ALPL protein function. Two publications report experimental evidence evaluating an impact on protein function and both shows only 1-6% of residual enzymatic activity compared to the wild type and both studies also show that this variant has a dominant negative effect towards the wild type protein (Fauvert_2009, Del Angel_2020). The following publications have been ascertained in the context of this evaluation (PMID: 32160374, 19500388, 39983296, 22322541, 11438998). ClinVar contains an entry for this variant (Variation ID: 1070177). Based on the evidence outlined above, the variant was classified as pathogenic.

Labcorp Genetics (formerly Invitae), Labcorp
Classification: Pathogenic. Last evaluated: 2026-01-11. Review status: criteria provided, single submitter. Criteria: Invitae Variant Classification Sherloc (09022015). Collection method: clinical testing. Allele origin: germline.
Comment: This sequence change replaces arginine, which is basic and polar, with histidine, which is basic and polar, at codon 71 of the ALPL protein (p.Arg71His). This variant is not present in population databases (gnomAD no frequency). This missense change has been observed in individual(s) with less severe presentations of hypophosphatasia and autosomal recessive infantile or childhood-onset hypophosphatasia (PMID: 11438998, 19500388, 22322541, 22397652, 25731960, 31760938). This variant is also known as p.Arg54His. ClinVar contains an entry for this variant (Variation ID: 1070177). Invitae Evidence Modeling of protein sequence and biophysical properties (such as structural, functional, and spatial information, amino acid conservation, physicochemical variation, residue mobility, and thermodynamic stability) indicates that this missense variant is expected to disrupt ALPL protein function with a positive predictive value of 95%. Experimental studies have shown that this missense change affects ALPL function (PMID: 19500388). This variant disrupts the p.Arg71 amino acid residue in ALPL. Other variant(s) that disrupt this residue have been observed in individuals with ALPL-related conditions (PMID: 1409720, 10839996, 11760847, 28127875), which suggests that this may be a clinically significant amino acid residue. For these reasons, this variant has been classified as Pathogenic.

Prenatal Diagnosis Unit, University Medical Center at Ho Chi Minh City, University of Medicine and Pharmacy at Ho Chi Minh City
Classification: Pathogenic for Childhood hypophosphatasia. Last evaluated: 2026-01-05. Review status: criteria provided, single submitter. Criteria: ACMG Guidelines, 2015. Collection method: provider interpretation. Allele origin: unknown. Inheritance: Autosomal recessive inheritance. Affected: yes. Observed: 1 variant allele.
Comment: This missense change has been observed in individual(s) with autosomal recessive infantile HPP (PMID: 11438998, 22397652, 25731960, 31760938) including our case and not present in population databases (gnomAD no frequency). At least one functional study has demonstrated a substantial alteration in protein function relative to the wild-type (PMID:32160374;19500388). In conclusion, this variant is classified as a pathogenic variant according to the ACMG/AMP 2015 guidelines, based on criteria PS1, PS3, PS4, PM2, PP2

Natera, Inc.
Classification: Pathogenic for Hypophosphatasia. Last evaluated: 2025-11-09. Review status: criteria provided, single submitter. Criteria: Natera Variant Classification Schema (03/2026). Collection method: clinical testing. Allele origin: germline.
Comment: The c.212G>A variant in ALPL is a missense variant predicted to cause substitution of arginine to histidine at amino acid 71. This variant is rare in the general population with a frequency below the threshold expected for the associated phenotype(s). This variant has been observed in one or more individuals affected with the associated recessive disease, as either homozygous or compound heterozygous with a second variant (PMID: 12674323, 32811521, 31760938). Functional studies show that this variant may disrupt protein function (PMID: 19500388). Computational prediction algorithms indicate this variant is likely to affect gene or protein function. Given the available evidence, this variant is classified as Pathogenic.

Genomenon, Inc
Classification: Pathogenic for Hypophosphatasia. Last evaluated: 2025-08-29. Review status: criteria provided, single submitter. Criteria: Genomenon Sequence Variant Interpretation Standards. Collection method: curation. Allele origin: germline. Affected: yes.
Comment: ALPL c.212G>A is a missense variant that changes the amino acid at residue 71 from Arginine to Histidine. This variant has been observed in multiple probands affected with hypophosphatasia (PMID:22397652;25731960;32811521;19500388;32973344;11438998;11855933). At least one functional study has demonstrated a substantial alteration in protein function relative to the wild-type (PMID:32160374;19500388). This variant has also been reported as Arg54His in the literature. It is absent or not present at a significant frequency in gnomAD. In silico models agree that this variant is possibly or probably damaging. In conclusion, we classify ALPL p.Arg71His (c.212G>A) as a pathogenic variant.

GeneDx
Classification: Pathogenic. Last evaluated: 2025-05-20. Review status: criteria provided, single submitter. Criteria: GeneDx Variant Classification Process June 2021. Collection method: clinical testing. Allele origin: germline. Affected: yes.
Comment: Not observed at significant frequency in large population cohorts (gnomAD); In silico analysis supports that this missense variant has a deleterious effect on protein structure/function; This variant is associated with the following publications: (PMID: 22322541, 11438998, 32160374, 22397652, 19500388, 32973344, 25731960, 12674323)

Baylor Genetics
Classification: Pathogenic for Adult hypophosphatasia. Last evaluated: 2023-12-23. Review status: criteria provided, single submitter. Criteria: ACMG Guidelines, 2015. Collection method: clinical testing. Allele origin: unknown.

Juno Genomics, Hangzhou Juno Genomics, Inc
Classification: Pathogenic for Adult hypophosphatasia; Childhood hypophosphatasia; Infantile hypophosphatasia. Review status: criteria provided, single submitter. Criteria: ACMG Guidelines, 2015. Collection method: clinical testing. Allele origin: germline. Affected: yes.
Comment: Absent from controls (or at extremely low frequency if recessive) in Genome Aggregation Database.;Well-established in vitro or in vivo functional studies supportive of a damaging effect on the gene or gene product.;The prevalence of the variant in affected individuals is significantly increased compared to the prevalence in controls.;For recessive disorders, detected in trans with a pathogenic variant.

Department of Pediatrics, Taizhou Central Hospital, Taizhou University Hospital
Classification: Pathogenic for Infantile hypophosphatasia. Last evaluated: 2024-02-01. Review status: no assertion criteria provided. Collection method: clinical testing. Allele origin: maternal. Affected: yes. Observed: 1 variant allele. Not counted in ClinVar's aggregate classification.

Zotz-Klimas Genetics Lab, MVZ Zotz Klimas
Classification: Pathogenic for Adult hypophosphatasia. Last evaluated: 2023-10-30. Review status: no assertion criteria provided. Collection method: clinical testing. Allele origin: germline. Affected: yes. Not counted in ClinVar's aggregate classification.

Literature cited by the submitters: PubMed 19500388 (cited by 5 submitters); PubMed 22322541 (cited by Women's Health and Genetics/Laboratory Corporation of America, LabCorp and Labcorp Genetics (formerly Invitae), Labcorp); PubMed 32160374 (cited by 3 submitters); PubMed 11438998 (cited by 4 submitters); PubMed 39983296 (cited by Women's Health and Genetics/Laboratory Corporation of America, LabCorp); PubMed 22397652 (cited by 3 submitters); PubMed 25731960 (cited by 3 submitters); PubMed 31760938 (cited by 3 submitters); PubMed 1409720 (cited by Labcorp Genetics (formerly Invitae), Labcorp); PubMed 10839996 (cited by Labcorp Genetics (formerly Invitae), Labcorp); PubMed 11760847 (cited by Labcorp Genetics (formerly Invitae), Labcorp); PubMed 28127875 (cited by Labcorp Genetics (formerly Invitae), Labcorp); PubMed 12674323 (cited by Natera, Inc.); PubMed 32811521 (cited by Natera, Inc. and Genomenon, Inc); PubMed 32973344 (cited by Genomenon, Inc); PubMed 11855933 (cited by Genomenon, Inc).

NM_000478.6(ALPL):c.212G>A (p.Arg71His)

Gene: ALPL (alkaline phosphatase, biomineralization associated; plus strand). Cytogenetic location: 1p36.12.
Variant type: single nucleotide variant.
Coding change: c.212G>A on transcript NM_000478.6 (MANE Select); coding-DNA position 212, G replaced by A.
Protein change: p.Arg71His; replaces arginine 71 with histidine.
Molecular consequence: missense variant. On other transcripts: intron variant (1).
Genome position (GRCh38, 1-based): chr1:21,561,127, G>A. VCF-style: chr1-21561127-G-A. GRCh37 (hg19) VCF-style: chr1-21887620-G-A.
Other names: c.47G>A, p.Arg16His (NM_001127501.4); c.212G>A, p.Arg71His (NM_001369803.2, NM_001369804.2, NM_001369805.2); c.66+382G>A (NM_001177520.3); c.212G>A (NM_000478.5); short protein forms R16H, R71H.
Identifiers: ClinVar variation 1070177 (VCV001070177.21), dbSNP rs121918003, ClinGen allele CA19088467.